The following is an entry in ClinVar:

ClinVar aggregate classification (germline): Uncertain significance. Review status: criteria provided, multiple submitters, no conflicts (2 of 4 stars). 2 submissions from 2 submitters: Uncertain significance (2). Last evaluated 2024-06-09.

Conditions:
Severe intellectual disability-progressive spastic diplegia syndrome (NEDSDV). Also called: NEURODEVELOPMENTAL DISORDER WITH SPASTIC DIPLEGIA AND VISUAL DEFECTS; CTNNB1 Neurodevelopmental Disorder. Identifiers: Orphanet 404473, MedGen C3554449, MONDO:0014035, OMIM 615075.

Allele frequency attached by ClinVar (database versions not stated): gnomAD exomes below 0.00001.
gnomAD v4.1: 1 of 1,613,670 alleles (0.000062%); highest among the groups gnomAD compares: Non-Finnish European, 0.000085%; no homozygotes.

Submissions (2):

GeneDx
Classification: Uncertain significance. Last evaluated: 2024-06-09. Review status: criteria provided, single submitter. Criteria: GeneDx Variant Classification Process June 2021. Collection method: clinical testing. Allele origin: germline. Affected: yes.
Comment: Not observed at significant frequency in large population cohorts (gnomAD); In silico analysis supports that this missense variant has a deleterious effect on protein structure/function; Has not been previously published as pathogenic or benign to our knowledge

Rady Children's Institute for Genomic Medicine, Rady Children's Hospital San Diego
Classification: Uncertain significance for Severe intellectual disability-progressive spastic diplegia syndrome. Last evaluated: 2020-01-20. Review status: criteria provided, single submitter. Criteria: ACMG Guidelines, 2015. Collection method: clinical testing. Allele origin: germline. Affected: yes.
Comment: This variant has not been previously reported or functionally characterized in the literature to our knowledge. It is absent from the ExAC and gnomAD population databases and thus is presumed to be rare. In silico analyses support a deleterious effect of the c.917A>T (p.Tyr306Phe) variant on protein function. Analysis of the parental samples was negative for the variant, indicating this variant likely occurred as a de novo event. Based on the available evidence, the c.917A>T (p.Tyr306Phe) variant is classified as Variant of Uncertain Significance.

NM_001904.4(CTNNB1):c.917A>T (p.Tyr306Phe)

Gene: CTNNB1 (catenin beta 1; plus strand). Cytogenetic location: 3p22.1.
Variant type: single nucleotide variant.
Coding change: c.917A>T on transcript NM_001904.4 (MANE Select); coding-DNA position 917, A replaced by T.
Protein change: p.Tyr306Phe; replaces tyrosine 306 with phenylalanine.
Molecular consequence: missense variant.
Genome position (GRCh38, 1-based): chr3:41,225,842, A>T. VCF-style: chr3-41225842-A-T. GRCh37 (hg19) VCF-style: chr3-41267333-A-T.
Other names: c.917A>T, p.Tyr306Phe (NM_001098209.2, NM_001098210.2); c.896A>T, p.Tyr299Phe (NM_001330729.2); short protein forms Y299F, Y306F.
Identifiers: ClinVar variation 981167 (VCV000981167.2), dbSNP rs2078162003, ClinGen allele CA352230444.